The following is an entry in ClinVar:

NM_152419.3(HGSNAT):c.-8CGGCGGGCATGAGCGGG[3] (p.Ala4delinsArgArgAlaTer)

Genes: HGSNAT (heparan-alpha-glucosaminide N-acetyltransferase; plus strand), LOC130000316 (ATAC-STARR-seq lymphoblastoid silent region 19164; plus strand). Cytogenetic location: 8p11.21.
Variant type: Microsatellite.
Coding change: c.-8CGGCGGGCATGAGCGGG[3] on transcript NM_152419.3 (MANE Select); three copies in a row of the 17-base unit CGGCGGGCATGAGCGGG starting at c.-8.
Protein change: p.Ala4delinsArgArgAlaTer.
Molecular consequence: nonsense, initiator codon variant. On other transcripts: 5 prime UTR variant (1).
Genome position: GRCh38, VCF-style position (the base before the change): chr8:43,140,481. GRCh37 (hg19), VCF-style position (the base before the change): chr8:42,995,624.
Other names: c.-8CGGCGGGCATGAGCGGG[3], p.Ala4delinsArgArgAlaTer (NM_001363227.2, NM_001363228.2); c.-841CGGCGGGCATGAGCGGG[3] (NM_001363229.2).
Identifiers: ClinVar variation 2241915 (VCV002241915.3), dbSNP rs1215061130, ClinGen allele CA2580614353.
Genomic context (GRCh38, chr8:43,140,481, plus strand): 5'-CGCGCGGGCGTCCGCGGCGGAGCAGCGCAGGGCGGGGCGCAGCGGGCAGGCAAGGGCGGC[C>CGAGCGGGCGGCGGGCATGAGCGGGCGGCGGGCAT]GAGCGGGCGGCGGGCATGAGCGGGGCGGGCAGGGCGCTGGCCGCGCTGCTGCTGGCCGCG-3'

ClinVar aggregate classification (germline): Uncertain significance (1 of 4 stars; one submission).

Conditions:
Inborn genetic diseases. Identifiers: MedGen C0950123, MeSH D030342.

Submission:

Ambry Genetics
Classification: Uncertain significance for Inborn genetic diseases. Last evaluated: 2021-09-18. Review status: criteria provided, single submitter. Criteria: Ambry Variant Classification Scheme 2023. Collection method: clinical testing. Allele origin: germline.
Comment: May escape nonsense-mediated mRNA decay and/or be rescued by re-initiation Based on insufficient or conflicting evidence, the clinical significance of this alteration remains unclear.